The following is an entry in ClinVar:

NM_001267550.2(TTN):c.25613C>T (p.Ser8538Phe)

Gene: TTN (titin; minus strand). Cytogenetic location: 2q31.2.
Variant type: single nucleotide variant.
Coding change: c.25613C>T on transcript NM_001267550.2 (MANE Select); coding-DNA position 25613, C replaced by T.
Protein change: p.Ser8538Phe; replaces serine 8538 with phenylalanine.
Molecular consequence: missense variant. On other transcripts: intron variant (3).
Genome position (GRCh38, 1-based): chr2:178,717,121, G>A on the plus strand (C>T on the coding strand, the complement: TTN is on the minus strand). VCF-style: chr2-178717121-G-A. GRCh37 (hg19) VCF-style: chr2-179581848-G-A.
Other names: c.24662C>T, p.Ser8221Phe (NM_001256850.1); c.21881C>T, p.Ser7294Phe (NM_133378.4); c.13282+20961C>T (NM_003319.4); c.13858+20961C>T (NM_133437.4); c.13657+20961C>T (NM_133432.3); short protein forms S7294F, S8221F, S8538F.
Identifiers: ClinVar variation 2437502 (VCV002437502.4), dbSNP rs375170912, ClinGen allele CA2000187.

ClinVar aggregate classification (germline): Uncertain significance. Review status: criteria provided, multiple submitters, no conflicts (2 of 4 stars). 2 submissions from 2 submitters: Uncertain significance (2). Last evaluated 2026-02-19.

Conditions:
TTN-related disorder. Also called: TTN-related condition; TTN-related disease; TTN-related disorders.

Allele frequency attached by ClinVar (database versions not stated): gnomAD exomes below 0.00001; ExAC 0.00002; TOPMed 0.00005; gnomAD 0.00007; ESP Exome Variant Server 0.00008.
gnomAD v4.1: 15 of 1,613,096 alleles (0.00093%); highest among the groups gnomAD compares: African/African-American, 0.02%; no homozygotes.

Submissions (2):

PreventionGenetics, part of Exact Sciences
Classification: Uncertain significance for TTN-related condition. Last evaluated: 2026-02-19. Review status: criteria provided, single submitter. Criteria: ACMG Guidelines, 2015. Collection method: clinical testing. Allele origin: germline.
Comment: The TTN c.25613C>T variant is predicted to result in the amino acid substitution p.Ser8538Phe. To our knowledge, this variant has not been reported in the literature. This variant is reported in 0.025% of alleles in individuals of African descent in gnomAD. At this time, the clinical significance of this variant is uncertain due to the absence of conclusive functional and genetic evidence.

Revvity Omics, Revvity
Classification: Uncertain significance. Last evaluated: 2020-12-28. Review status: criteria provided, single submitter. Criteria: ACMG Guidelines, 2015. Collection method: clinical testing. Allele origin: germline.